The following is an entry in ClinVar:

NM_000424.4(KRT5):c.160G>A (p.Ala54Thr)

Gene: KRT5 (keratin 5; minus strand). Cytogenetic location: 12q13.13.
Variant type: single nucleotide variant.
Coding change: c.160G>A on transcript NM_000424.4 (MANE Select); coding-DNA position 160, G replaced by A.
Protein change: p.Ala54Thr; replaces alanine 54 with threonine.
Molecular consequence: missense variant.
Genome position (GRCh38, 1-based): chr12:52,520,137, C>T on the plus strand (G>A on the coding strand, the complement: KRT5 is on the minus strand). VCF-style: chr12-52520137-C-T. GRCh37 (hg19) VCF-style: chr12-52913921-C-T.
Other names: short protein forms A54T.
Identifiers: ClinVar variation 2067058 (VCV002067058.4), dbSNP rs1366927682, ClinGen allele CA384930682.

ClinVar aggregate classification (germline): Uncertain significance (1 of 4 stars; one submission).

Allele frequency attached by ClinVar (database versions not stated): gnomAD exomes below 0.00001; gnomAD 0.00001; TOPMed 0.00002.
gnomAD v4.1: 7 of 1,613,922 alleles (0.00043%); highest among the groups gnomAD compares: Middle Eastern, 0.016%; no homozygotes.

Submission:

Labcorp Genetics (formerly Invitae), Labcorp
Classification: Uncertain significance. Last evaluated: 2023-07-07. Review status: criteria provided, single submitter. Criteria: Invitae Variant Classification Sherloc (09022015). Collection method: clinical testing. Allele origin: germline.
Comment: This sequence change replaces alanine, which is neutral and non-polar, with threonine, which is neutral and polar, at codon 54 of the KRT5 protein (p.Ala54Thr). This variant is present in population databases (no rsID available, gnomAD 0.0009%). This variant has not been reported in the literature in individuals affected with KRT5-related conditions. ClinVar contains an entry for this variant (Variation ID: 2067058). Advanced modeling of protein sequence and biophysical properties (such as structural, functional, and spatial information, amino acid conservation, physicochemical variation, residue mobility, and thermodynamic stability) performed at Invitae indicates that this missense variant is not expected to disrupt KRT5 protein function. In summary, the available evidence is currently insufficient to determine the role of this variant in disease. Therefore, it has been classified as a Variant of Uncertain Significance.